The following is an entry in ClinVar:

NM_000393.5(COL5A2):c.2954C>T (p.Pro985Leu)

Gene: COL5A2 (collagen type V alpha 2 chain; minus strand). Cytogenetic location: 2q32.2.
Variant type: single nucleotide variant.
Coding change: c.2954C>T on transcript NM_000393.5 (MANE Select); coding-DNA position 2954, C replaced by T.
Protein change: p.Pro985Leu; replaces proline 985 with leucine.
Molecular consequence: missense variant.
Genome position (GRCh38, 1-based): chr2:189,050,654, G>A on the plus strand (C>T on the coding strand, the complement: COL5A2 is on the minus strand). VCF-style: chr2-189050654-G-A. GRCh37 (hg19) VCF-style: chr2-189915380-G-A.
Other names: short protein forms P985L.
Identifiers: ClinVar variation 4707311 (VCV004707311.1).

ClinVar aggregate classification (germline): Uncertain significance (1 of 4 stars; one submission).

Conditions:
Ehlers-Danlos syndrome, classic type, 1 (EDSCL1). Also called: EHLERS-DANLOS SYNDROME, GRAVIS TYPE; EHLERS-DANLOS SYNDROME, SEVERE CLASSIC TYPE; Ehlers-Danlos syndrome, type 1; Ehlers-Danlos Syndrome, Classic Type, COL5A1-Related; EDS I. Identifiers: MedGen C0268335, MONDO:0019567, OMIM 130000.

Submission:

Labcorp Genetics (formerly Invitae), Labcorp
Classification: Uncertain significance for Ehlers-Danlos syndrome, classic type, 1. Last evaluated: 2025-11-08. Review status: criteria provided, single submitter. Criteria: Invitae Variant Classification Sherloc (09022015). Collection method: clinical testing. Allele origin: germline.
Comment: This sequence change replaces proline, which is neutral and non-polar, with leucine, which is neutral and non-polar, at codon 985 of the COL5A2 protein (p.Pro985Leu). This variant is not present in population databases (gnomAD no frequency). This variant has not been reported in the literature in individuals affected with COL5A2-related conditions. Invitae Evidence Modeling of protein sequence and biophysical properties (such as structural, functional, and spatial information, amino acid conservation, physicochemical variation, residue mobility, and thermodynamic stability) indicates that this missense variant is not expected to disrupt COL5A2 protein function with a negative predictive value of 80%. In summary, the available evidence is currently insufficient to determine the role of this variant in disease. Therefore, it has been classified as a Variant of Uncertain Significance.